The following is an entry in ClinVar:

NM_139215.3(TAF15):c.1351_1377dup (p.Arg459_Gly460insSerGlyGlyGlyTyrGlyGlyAspArg)

Gene: TAF15 (TATA-box binding protein associated factor 15; plus strand). Cytogenetic location: 17q12.
Variant type: Duplication.
Coding change: c.1351_1377dup on transcript NM_139215.3 (MANE Select); coding-DNA positions 1351 to 1377, 27 bases duplicated (AGTGGGGGTGGCTATGGTGGGGACAGA).
Protein change: p.Arg459_Gly460insSerGlyGlyGlyTyrGlyGlyAspArg.
Genome position (GRCh38, 1-based): chr17:35,844,650-35,844,676, AGTGGGGGTGGCTATGGTGGGGACAGA duplicated; duplicating any 27 consecutive bases within chr17:35,844,644-35,844,676 gives the same sequence; the c. name uses the placement nearest the transcript's 3' end. VCF-style (leftmost placement, unchanged base first): chr17-35844643-A-AGACAGAAGTGGGGGTGGCTATGGTGGG. GRCh37 (hg19) VCF-style: chr17-34171647-A-AGACAGAAGTGGGGGTGGCTATGGTGGG.
Other names: p.Ser451_Arg459dup; c.1342_1368dup, p.Arg456_Gly457insSerGlyGlyGlyTyrGlyGlyAspArg (NM_003487.4).
Identifiers: ClinVar variation 3053589 (VCV003053589.3), dbSNP rs745996982, ClinGen allele CA728397230.
Genomic context (GRCh38, chr17:35,844,643, plus strand): 5'-TGGAGACAGAAGCAGCGGTGGTGGCTACAGCGGAGATAGAAGTGGGGGCGGCTATGGTGG[A>AGACAGAAGTGGGGGTGGCTATGGTGGG]GACAGAAGTGGGGGTGGCTATGGTGGGGACAGAGGCGGCGGCTATGGTGGGGACAGAGGA-3'

ClinVar aggregate classification (germline): Uncertain significance. Review status: criteria provided, single submitter (1 of 4 stars). 2 submissions from 2 submitters: Uncertain significance (1). 1 of the submissions does not count toward it. Last evaluated 2025-07-22.

Conditions:
TAF15-related disorder. Also called: TAF15-related condition.

Submissions (2):

Mayo Clinic Laboratories, Mayo Clinic
Classification: Uncertain significance. Last evaluated: 2025-07-22. Review status: criteria provided, single submitter. Criteria: ACMG Guidelines, 2015. Collection method: clinical testing. Allele origin: germline. Observed: 1 variant allele.
Comment: BS2

PreventionGenetics, part of Exact Sciences
Classification: Likely benign for TAF15-related condition. Last evaluated: 2022-08-24. Review status: no assertion criteria provided. Collection method: clinical testing. Allele origin: germline. Not counted in ClinVar's aggregate classification.
Comment: This variant is classified as likely benign based on ACMG/AMP sequence variant interpretation guidelines (Richards et al. 2015 PMID: 25741868, with internal and published modifications).